The following is an entry in ClinVar:

NM_015346.4(ZFYVE26):c.6187A>G (p.Thr2063Ala)

Gene: ZFYVE26 (zinc finger FYVE-type containing 26; minus strand). Cytogenetic location: 14q24.1.
Variant type: single nucleotide variant.
Coding change: c.6187A>G on transcript NM_015346.4 (MANE Select); coding-DNA position 6187, A replaced by G.
Protein change: p.Thr2063Ala; replaces threonine 2063 with alanine.
Molecular consequence: missense variant.
Genome position (GRCh38, 1-based): chr14:67,762,385, T>C on the plus strand (A>G on the coding strand, the complement: ZFYVE26 is on the minus strand). VCF-style: chr14-67762385-T-C. GRCh37 (hg19) VCF-style: chr14-68229102-T-C.
Other names: short protein forms T2063A.
Identifiers: ClinVar variation 2007950 (VCV002007950.4), dbSNP rs2503967854, ClinGen allele CA390164357.

ClinVar aggregate classification (germline): Uncertain significance (1 of 4 stars; one submission).

Conditions:
Spastic paraplegia. Identifiers: MedGen C0037772, HP:0001258.

Submission:

Labcorp Genetics (formerly Invitae), Labcorp
Classification: Uncertain significance for Spastic paraplegia. Last evaluated: 2024-10-16. Review status: criteria provided, single submitter. Criteria: Invitae Variant Classification Sherloc (09022015). Collection method: clinical testing. Allele origin: germline.
Comment: This sequence change replaces threonine, which is neutral and polar, with alanine, which is neutral and non-polar, at codon 2063 of the ZFYVE26 protein (p.Thr2063Ala). This variant is not present in population databases (gnomAD no frequency). This variant has not been reported in the literature in individuals affected with ZFYVE26-related conditions. ClinVar contains an entry for this variant (Variation ID: 2007950). An algorithm developed to predict the effect of missense changes on protein structure and function outputs the following: PolyPhen-2: "Benign". The alanine amino acid residue is found in multiple mammalian species, which suggests that this missense change does not adversely affect protein function. In summary, the available evidence is currently insufficient to determine the role of this variant in disease. Therefore, it has been classified as a Variant of Uncertain Significance.